The following is an entry in ClinVar:

ClinVar aggregate classification (germline): Likely pathogenic. Review status: criteria provided, multiple submitters, no conflicts (2 of 4 stars). 2 submissions from 2 submitters: Likely pathogenic (2). Last evaluated 2023-06-28.

Conditions:
Multiple acyl-CoA dehydrogenase deficiency (MADD). Also called: ETHYLMALONIC-ADIPICACIDURIA; GA II; Glutaric Acidemia type 2; Glutaric aciduria, type 2; Glutaric acidemia type II; GA 2. Identifiers: Orphanet 26791, MedGen C0268596, MONDO:0009282, OMIM 231680.

Submissions (2):

Baylor Genetics
Classification: Likely pathogenic for Multiple acyl-CoA dehydrogenase deficiency. Last evaluated: 2023-06-28. Review status: criteria provided, single submitter. Criteria: ACMG Guidelines, 2015. Collection method: clinical testing. Allele origin: unknown.

Labcorp Genetics (formerly Invitae), Labcorp
Classification: Likely pathogenic for Multiple acyl-CoA dehydrogenase deficiency. Last evaluated: 2023-06-28. Review status: criteria provided, single submitter. Criteria: Invitae Variant Classification Sherloc (09022015). Collection method: clinical testing. Allele origin: germline.
Comment: In summary, the currently available evidence indicates that the variant is pathogenic, but additional data are needed to prove that conclusively. Therefore, this variant has been classified as Likely Pathogenic. Algorithms developed to predict the effect of sequence changes on RNA splicing suggest that this variant may disrupt the consensus splice site. This variant has not been reported in the literature in individuals affected with ETFDH-related conditions. This variant is not present in population databases (gnomAD no frequency). This sequence change affects an acceptor splice site in intron 6 of the ETFDH gene. It is expected to disrupt RNA splicing. Variants that disrupt the donor or acceptor splice site typically lead to a loss of protein function (PMID: 16199547), and loss-of-function variants in ETFDH are known to be pathogenic (PMID: 16510302, 23785301).

Literature cited by the submitters: PubMed 16199547 (cited by Labcorp Genetics (formerly Invitae), Labcorp); PubMed 16510302 (cited by Labcorp Genetics (formerly Invitae), Labcorp); PubMed 23785301 (cited by Labcorp Genetics (formerly Invitae), Labcorp).

NM_004453.4(ETFDH):c.685-1G>A

Gene: ETFDH (electron transfer flavoprotein dehydrogenase; plus strand). Cytogenetic location: 4q32.1.
Variant type: single nucleotide variant.
Coding change: c.685-1G>A on transcript NM_004453.4 (MANE Select); the canonical splice acceptor site of the intron before coding-DNA position 685, G replaced by A.
Molecular consequence: splice acceptor variant.
Genome position (GRCh38, 1-based): chr4:158,695,496, G>A. VCF-style: chr4-158695496-G-A. GRCh37 (hg19) VCF-style: chr4-159616648-G-A.
Other names: c.544-1G>A (NM_001281737.2); c.502-1G>A (NM_001281738.1).
Identifiers: ClinVar variation 2675111 (VCV002675111.4), dbSNP rs2479110961, ClinGen allele CA358560532.